The following is an entry in ClinVar:

NM_001205293.3(CACNA1E):c.5820A>C (p.Pro1940=)

Gene: CACNA1E (calcium voltage-gated channel subunit alpha1 E; plus strand). Cytogenetic location: 1q25.3.
Variant type: single nucleotide variant.
Coding change: c.5820A>C on transcript NM_001205293.3 (MANE Select); coding-DNA position 5820, A replaced by C.
Protein change: p.Pro1940=; no amino-acid change (proline 1940 retained).
Molecular consequence: synonymous variant.
Genome position (GRCh38, 1-based): chr1:181,790,478, A>C. VCF-style: chr1-181790478-A-C. GRCh37 (hg19) VCF-style: chr1-181759614-A-C.
Other names: p.Pro1940=; c.5820A>C, p.Pro1940= (NM_000721.4); c.5763A>C, p.Pro1921= (NM_001205294.2).
Identifiers: ClinVar variation 1300506 (VCV001300506.14), dbSNP rs35611740, ClinGen allele CA1276214.

ClinVar aggregate classification (germline): Benign/Likely benign. Review status: criteria provided, multiple submitters, no conflicts (2 of 4 stars). 6 submissions from 6 submitters: Benign (3); Likely benign (2). 1 of the submissions does not count toward it. Last evaluated 2026-02-03.

Conditions:
CACNA1E-related disorder. Also called: CACNA1E-related condition.
Developmental and epileptic encephalopathy, 69. Also called: EPILEPTIC ENCEPHALOPATHY, EARLY INFANTILE, 69. Identifiers: MedGen C4748988, MONDO:0032657, OMIM 618285.

Allele frequency attached by ClinVar (database versions not stated): 1000 Genomes Project 30x 0.00515; 1000 Genomes Project 0.00579; ExAC 0.01132; ESP Exome Variant Server 0.01404.
gnomAD v4.1: 27,981 of 1,611,970 alleles (1.7%); highest among the groups gnomAD compares: Non-Finnish European, 2.1%; 327 homozygotes.

Submissions (6):

Labcorp Genetics (formerly Invitae), Labcorp
Classification: Benign. Last evaluated: 2026-02-03. Review status: criteria provided, single submitter. Criteria: Invitae Variant Classification Sherloc (09022015). Collection method: clinical testing. Allele origin: germline.

Genome-Nilou Lab
Classification: Benign for Developmental and epileptic encephalopathy, 69. Last evaluated: 2023-04-11. Review status: criteria provided, single submitter. Criteria: ACMG Guidelines, 2015. Collection method: clinical testing. Allele origin: germline. Affected: no.

Mayo Clinic Laboratories, Mayo Clinic
Classification: Benign. Last evaluated: 2022-07-21. Review status: criteria provided, single submitter. Criteria: ACMG Guidelines, 2015. Collection method: clinical testing. Allele origin: germline. Observed: 6 variant alleles.
Comment: BS1, BS2, BP4, BP7

GeneDx
Classification: Likely benign. Last evaluated: 2021-03-30. Review status: criteria provided, single submitter. Criteria: GeneDx Variant Classification Process June 2021. Collection method: clinical testing. Allele origin: germline. Affected: yes.

Breakthrough Genomics
Classification: Likely benign. Review status: criteria provided, single submitter. Criteria: ACMG Guidelines, 2015. Collection method: not provided. Allele origin: germline. Inheritance: Autosomal dominant inheritance. Affected: yes.

PreventionGenetics, part of Exact Sciences
Classification: Benign for CACNA1E-related condition. Last evaluated: 2019-08-08. Review status: no assertion criteria provided. Collection method: clinical testing. Allele origin: germline. Not counted in ClinVar's aggregate classification.
Comment: This variant is classified as benign based on ACMG/AMP sequence variant interpretation guidelines (Richards et al. 2015 PMID: 25741868, with internal and published modifications).